The following is an entry in ClinVar:

ClinVar aggregate classification (germline): Uncertain significance (1 of 4 stars; one submission).

Conditions:
Familial thoracic aortic aneurysm and aortic dissection (TAAD). Also called: Thoracic aortic aneurysms and dissections. Identifiers: Orphanet 91387, MedGen C4707243, MONDO:0019625.

Allele frequency attached by ClinVar (database versions not stated): gnomAD exomes below 0.00001.
gnomAD v4.1: 1 of 1,603,540 alleles (0.000062%); highest among the groups gnomAD compares: Admixed American, 0.0017%; no homozygotes.

Submission:

Ambry Genetics
Classification: Uncertain significance for Familial thoracic aortic aneurysm and aortic dissection. Last evaluated: 2021-06-02. Review status: criteria provided, single submitter. Criteria: Ambry Variant Classification Scheme 2023. Collection method: clinical testing. Allele origin: germline.
Comment: The c.3472-3T>A intronic variant results from a T to A substitution 3 nucleotides upstream from coding exon 49 in the COL5A2 gene. This nucleotide position is well conserved in available vertebrate species. In silico splice site analysis for this alteration is inconclusive. Since supporting evidence is limited at this time, the clinical significance of this alteration remains unclear.

NM_000393.5(COL5A2):c.3472-3T>A

Gene: COL5A2 (collagen type V alpha 2 chain; minus strand). Cytogenetic location: 2q32.2.
Variant type: single nucleotide variant.
Coding change: c.3472-3T>A on transcript NM_000393.5 (MANE Select); 3 bases into the intron before coding-DNA position 3472, T replaced by A.
Molecular consequence: intron variant.
Genome position (GRCh38, 1-based): chr2:189,042,776, A>T on the plus strand (T>A on the coding strand, the complement: COL5A2 is on the minus strand). VCF-style: chr2-189042776-A-T. GRCh37 (hg19) VCF-style: chr2-189907502-A-T.
Identifiers: ClinVar variation 1731745 (VCV001731745.2), dbSNP rs1240311493, ClinGen allele CA538451067.